The following is an entry in ClinVar:

NM_006231.4(POLE):c.655G>A (p.Val219Met)

Gene: POLE (DNA polymerase epsilon, catalytic subunit; minus strand). Cytogenetic location: 12q24.33.
Variant type: single nucleotide variant.
Coding change: c.655G>A on transcript NM_006231.4 (MANE Select); coding-DNA position 655, G replaced by A.
Protein change: p.Val219Met; replaces valine 219 with methionine.
Molecular consequence: missense variant.
Genome position (GRCh38, 1-based): chr12:132,677,643, C>T on the plus strand (G>A on the coding strand, the complement: POLE is on the minus strand). VCF-style: chr12-132677643-C-T. GRCh37 (hg19) VCF-style: chr12-133254229-C-T.
Other names: c.655G>A (NM_006231.2); short protein forms V219M.
Identifiers: ClinVar variation 1011258 (VCV001011258.11), dbSNP rs2043085863, ClinGen allele CA387365022.
Genomic context (GRCh38, chr12:132,677,643, plus strand): 5'-GGATCTTCAGGTCAATGGAGAGGCGGATGTGGTAGGGAACATCGTACTCGCGCATGTCCA[C>T]AATGTTGTCCAACTGGTCAGCTATCTTCTTAGAGGTTTCCTCTTCATCAGTAATGACACC-3'
Protein context (NP_006222.2, residues 209-229): KKIADQLDNI[Val219Met]DMREYDVPYH

ClinVar aggregate classification (germline): Uncertain significance. Review status: criteria provided, multiple submitters, no conflicts (2 of 4 stars). 2 submissions from 2 submitters: Uncertain significance (2). Last evaluated 2025-08-29.

Conditions:
Hereditary cancer-predisposing syndrome. Also called: Tumor predisposition; Hereditary neoplastic syndrome; Neoplastic Syndromes, Hereditary; Hereditary Cancer Syndrome. Identifiers: Orphanet 140162, MedGen C0027672, MeSH D009386, MONDO:0015356.

Submissions (2):

Labcorp Genetics (formerly Invitae), Labcorp
Classification: Uncertain significance. Last evaluated: 2025-08-29. Review status: criteria provided, single submitter. Criteria: Invitae Variant Classification Sherloc (09022015). Collection method: clinical testing. Allele origin: germline.
Comment: This sequence change replaces valine, which is neutral and non-polar, with methionine, which is neutral and non-polar, at codon 219 of the POLE protein (p.Val219Met). This variant is not present in population databases (gnomAD no frequency). This variant has not been reported in the literature in individuals affected with POLE-related conditions. ClinVar contains an entry for this variant (Variation ID: 1011258). Invitae Evidence Modeling of protein sequence and biophysical properties (such as structural, functional, and spatial information, amino acid conservation, physicochemical variation, residue mobility, and thermodynamic stability) indicates that this missense variant is not expected to disrupt POLE protein function with a negative predictive value of 80%. In summary, the available evidence is currently insufficient to determine the role of this variant in disease. Therefore, it has been classified as a Variant of Uncertain Significance.

Ambry Genetics
Classification: Uncertain significance for Hereditary cancer-predisposing syndrome. Last evaluated: 2025-02-22. Review status: criteria provided, single submitter. Criteria: Ambry Variant Classification Scheme 2023. Collection method: clinical testing. Allele origin: germline.
Comment: The p.V219M variant (also known as c.655G>A), located in coding exon 7 of the POLE gene, results from a G to A substitution at nucleotide position 655. The valine at codon 219 is replaced by methionine, an amino acid with highly similar properties. This amino acid position is conserved. In addition, this alteration is predicted to be tolerated by in silico analysis. Based on the available evidence, the clinical significance of this variant remains unclear.